The following is an entry in ClinVar:

ClinVar aggregate classification (germline): Uncertain significance (1 of 4 stars; one submission).

Conditions:
Mucopolysaccharidosis, MPS-IV-A (MPS4A). Also called: Morquio syndrome A, mild; MORQUIO SYNDROME A; GALACTOSAMINE-6-SULFATASE DEFICIENCY; GALNS DEFICIENCY; MORQUIO A DISEASE; Mucopolysaccharidosis type IV A. Identifiers: Orphanet 309297, Orphanet 582, MedGen C0086651, MONDO:0009659, OMIM 253000.

Submission:

Neuberg Centre For Genomic Medicine, NCGM
Classification: Uncertain significance for Mucopolysaccharidosis, MPS-IV-A. Review status: criteria provided, single submitter. Criteria: ACMG Guidelines, 2015. Collection method: clinical testing. Allele origin: germline. Inheritance: Autosomal recessive inheritance. Affected: yes.
Comment: The observed frameshift c.1547_1565del (p.Lys516ThrfsTer11) variant in GALNS gene has not been reported previously as a pathogenic variant nor as a benign variant, to our knowledge. The p.Lys516ThrfsTer11 variant is absent in gnomAD Exomes. This variant has not been submitted to the ClinVar database. This variant causes a frameshift starting with codon Lysine 516, changes this amino acid to Threonine residue, and creates a premature Stop codon at position 11 of the new reading frame, denoted p.Lys516ThrfsTer11. Loss of function variants have been previously reported to be disease causing. However since this variant is present in the last exon, functional studies will be required to prove protein truncation. For these reasons, this variant has been classified as Variant of Uncertain Significance (VUS).

NM_000512.5(GALNS):c.1547_1565del (p.Lys516fs)

Gene: GALNS (galactosamine (N-acetyl)-6-sulfatase; minus strand). Cytogenetic location: 16q24.3.
Variant type: Deletion.
Coding change: c.1547_1565del on transcript NM_000512.5 (MANE Select); coding-DNA positions 1547 to 1565, 19 bases deleted (AGAAGTGCCTCTGGTCCCA).
Protein change: p.Lys516fs; shifts the reading frame from lysine 516.
Molecular consequence: frameshift variant.
Genome position (GRCh38, 1-based): chr16:88,814,443-88,814,461, TGGGACCAGAGGCACTTCT deleted on the plus strand (AGAAGTGCCTCTGGTCCCA on the coding strand, the reverse complement: GALNS is on the minus strand); deleting any 19 consecutive bases within chr16:88,814,443-88,814,466 gives the same sequence; the c. name uses the placement nearest the transcript's 3' end. VCF-style (leftmost placement, unchanged base first): chr16-88814442-GTGGGACCAGAGGCACTTCT-G. GRCh37 (hg19) VCF-style: chr16-88880850-GTGGGACCAGAGGCACTTCT-G.
Other names: c.992_1010del, p.Lys331fs (NM_001323543.2); c.1565_1583del, p.Lys522fs (NM_001323544.2); short protein forms K331fs, K516fs, K522fs.
Identifiers: ClinVar variation 3603274 (VCV003603274.1).
Genomic context (GRCh38, chr16:88,814,442, plus strand): 5'-CCAGGCACTTGCAGGGCCAACCGGAGATTCTAGGCCTGGCCTGAGTCTGCGCAGGTGCTA[GTGGGACCAGAGGCACTTCT>G]TGGGAATGGATTCTGGAGGTGTCAGACACTTCCCTAACTTTTCACAGCCCGGAGGTGCCC-3'